The following is an entry in ClinVar:

NM_015374.3(SUN2):c.1139C>A (p.Ala380Asp)

Genes: GTPBP1 (GTP binding protein 1; plus strand), SUN2 (Sad1 and UNC84 domain containing 2; minus strand). Cytogenetic location: 22q13.1.
Variant type: single nucleotide variant.
Coding change: c.1139C>A on transcript NM_015374.3 (MANE Select); coding-DNA position 1139, C replaced by A.
Protein change: p.Ala380Asp; replaces alanine 380 with aspartic acid.
Molecular consequence: missense variant.
Genome position (GRCh38, 1-based): chr22:38,741,501, G>T on the plus strand (C>A on the coding strand, the complement: SUN2 is on the minus strand). VCF-style: chr22-38741501-G-T. GRCh37 (hg19) VCF-style: chr22-39137506-G-T.
Other names: c.1202C>A, p.Ala401Asp (NM_001199579.2); c.1139C>A, p.Ala380Asp (NM_001199580.2); short protein forms A401D, A380D.
Identifiers: ClinVar variation 648637 (VCV000648637.11), dbSNP rs143302352, ClinGen allele CA10235661.

ClinVar aggregate classification (germline): Uncertain significance. Review status: criteria provided, multiple submitters, no conflicts (2 of 4 stars). 2 submissions from 2 submitters: Uncertain significance (2). Last evaluated 2025-06-13.

Conditions:
Emery-Dreifuss muscular dystrophy (EDMD). Also called: Scapuloperoneal syndrome, X-linked (formerly); Humeroperoneal neuromuscular disease, (formerly). Identifiers: Orphanet 261, MedGen C0410189, MONDO:0016830.

Allele frequency attached by ClinVar (database versions not stated): gnomAD exomes 0.00001 and 0.00003; ExAC 0.00004; ESP Exome Variant Server 0.00015; gnomAD 0.00015 and 0.00019; TOPMed 0.00016.
gnomAD v4.1: 40 of 1,613,794 alleles (0.0025%); highest among the groups gnomAD compares: African/African-American, 0.049%; no homozygotes.

Submissions (2):

Labcorp Genetics (formerly Invitae), Labcorp
Classification: Uncertain significance for Emery-Dreifuss muscular dystrophy. Last evaluated: 2025-06-13. Review status: criteria provided, single submitter. Criteria: Invitae Variant Classification Sherloc (09022015). Collection method: clinical testing. Allele origin: germline.
Comment: This sequence change replaces alanine, which is neutral and non-polar, with aspartic acid, which is acidic and polar, at codon 380 of the SUN2 protein (p.Ala380Asp). This variant is present in population databases (rs143302352, gnomAD 0.06%), and has an allele count higher than expected for a pathogenic variant. This variant has not been reported in the literature in individuals affected with SUN2-related conditions. ClinVar contains an entry for this variant (Variation ID: 648637). An algorithm developed to predict the effect of missense changes on protein structure and function (PolyPhen-2) suggests that this variant is likely to be disruptive. In summary, the available evidence is currently insufficient to determine the role of this variant in disease. Therefore, it has been classified as a Variant of Uncertain Significance.

Ambry Genetics
Classification: Uncertain significance. Last evaluated: 2021-07-21. Review status: criteria provided, single submitter. Criteria: Ambry Variant Classification Scheme 2023. Collection method: clinical testing. Allele origin: germline.